The following is an entry in ClinVar:

NM_000083.3(CLCN1):c.388_389del (p.Leu130fs)

Gene: CLCN1 (chloride voltage-gated channel 1; plus strand). Cytogenetic location: 7q34.
Variant type: Microsatellite.
Coding change: c.388_389del on transcript NM_000083.3 (MANE Select); coding-DNA positions 388 to 389, 2 bases deleted (CT; older notation c.388_389delCT).
Protein change: p.Leu130fs; shifts the reading frame from leucine 130.
Molecular consequence: frameshift variant. On other transcripts: non-coding transcript variant (1).
Genome position (GRCh38, 1-based): chr7:143,320,750-143,320,751, CT deleted; deleting any 2 consecutive bases within chr7:143,320,748-143,320,751 gives the same sequence; the c. name uses the placement nearest the transcript's 3' end. VCF-style (leftmost placement, unchanged base first): chr7-143320747-GCT-G. GRCh37 (hg19) VCF-style: chr7-143017840-GCT-G.
Other names: short protein forms L130fs.
Identifiers: ClinVar variation 4791624 (VCV004791624.1).

ClinVar aggregate classification (germline): Pathogenic (1 of 4 stars; one submission).

Conditions:
Congenital myotonia, autosomal dominant form (THD). Also called: THOMSEN DISEASE; Myotonia congenita autosomal dominant. Identifiers: Orphanet 614, MedGen C2936781, MONDO:0008055, OMIM 160800.
Congenital myotonia, autosomal recessive form. Also called: BECKER DISEASE; Becker Generalized Myotonia; myotonia congenita, autosomal recessive. Identifiers: Orphanet 614, MedGen C0751360, MONDO:0009715, OMIM 255700.

Submission:

Labcorp Genetics (formerly Invitae), Labcorp
Classification: Pathogenic for Congenital myotonia, autosomal recessive form; Congenital myotonia, autosomal dominant form. Last evaluated: 2025-10-23. Review status: criteria provided, single submitter. Criteria: Invitae Variant Classification Sherloc (09022015). Collection method: clinical testing. Allele origin: germline.
Comment: This sequence change creates a premature translational stop signal (p.Leu130Glyfs*128) in the CLCN1 gene. It is expected to result in an absent or disrupted protein product. Loss-of-function variants in CLCN1 are known to be pathogenic (PMID: 17932099, 22094069, 23739125). This variant is not present in population databases (gnomAD no frequency). This variant has not been reported in the literature in individuals affected with CLCN1-related conditions. For these reasons, this variant has been classified as Pathogenic.

Literature cited by the submitters: PubMed 17932099; PubMed 22094069; PubMed 23739125.